The following is an entry in ClinVar:

ClinVar aggregate classification (germline): Uncertain significance (1 of 4 stars; one submission).

Conditions:
Inborn genetic diseases. Identifiers: MedGen C0950123, MeSH D030342.

Submission:

Ambry Genetics
Classification: Uncertain significance for Inborn genetic diseases. Last evaluated: 2024-12-16. Review status: criteria provided, single submitter. Criteria: Ambry Variant Classification Scheme 2023. Collection method: clinical testing. Allele origin: germline.
Comment: The p.S153C variant (also known as c.458C>G), located in coding exon 3 of the HAX1 gene, results from a C to G substitution at nucleotide position 458. The serine at codon 153 is replaced by cysteine, an amino acid with dissimilar properties. This amino acid position is conserved. In addition, this alteration is predicted to be tolerated by in silico analysis. Based on the available evidence, the clinical significance of this variant remains unclear.

NM_006118.4(HAX1):c.458C>G (p.Ser153Cys)

Gene: HAX1 (HCLS1 associated protein X-1; plus strand). Cytogenetic location: 1q21.3.
Variant type: single nucleotide variant.
Coding change: c.458C>G on transcript NM_006118.4 (MANE Select); coding-DNA position 458, C replaced by G.
Protein change: p.Ser153Cys; replaces serine 153 with cysteine.
Molecular consequence: missense variant.
Genome position (GRCh38, 1-based): chr1:154,273,915, C>G. VCF-style: chr1-154273915-C-G. GRCh37 (hg19) VCF-style: chr1-154246391-C-G.
Other names: c.314C>G, p.Ser105Cys (NM_001018837.2); short protein forms S105C, S153C.
Identifiers: ClinVar variation 3856858 (VCV003856858.1).